The following is an entry in ClinVar:

ClinVar aggregate classification (germline): Conflicting classifications of pathogenicity. Review status: criteria provided, conflicting classifications (1 of 4 stars). 5 submissions from 5 submitters: Uncertain significance (4); Likely benign (1). Last evaluated 2024-10-21.

Conditions:
Hereditary nonpolyposis colorectal neoplasms. Identifiers: MedGen C0009405, MeSH D003123.
Lynch syndrome. Identifiers: Orphanet 144, MedGen C4552100, MONDO:0005835. Disease mechanism: loss of function.
Endometrial carcinoma. Also called: Endometrial carcinoma, somatic. Identifiers: MedGen C0476089, MONDO:0002447, OMIM 608089, HP:0012114.
Hereditary cancer-predisposing syndrome. Also called: Neoplastic Syndromes, Hereditary; Tumor predisposition; Hereditary neoplastic syndrome; Hereditary Cancer Syndrome. Identifiers: Orphanet 140162, MedGen C0027672, MeSH D009386, MONDO:0015356.

Allele frequency attached by ClinVar (database versions not stated): gnomAD exomes below 0.00001; ExAC 0.00001; gnomAD 0.00001; 1000 Genomes Project 30x 0.00016; 1000 Genomes Project 0.00020.
gnomAD v4.1: 2 of 1,614,108 alleles (0.00012%); highest among the groups gnomAD compares: East Asian, 0.0045%; no homozygotes.

Submissions (5):

Labcorp Genetics (formerly Invitae), Labcorp
Classification: Likely benign for Hereditary nonpolyposis colorectal neoplasms. Last evaluated: 2024-10-21. Review status: criteria provided, single submitter. Criteria: Invitae Variant Classification Sherloc (09022015). Collection method: clinical testing. Allele origin: germline.

All of Us Research Program, National Institutes of Health
Classification: Uncertain significance for Lynch syndrome. Last evaluated: 2024-07-20. Review status: criteria provided, single submitter. Criteria: ACMG Guidelines, 2015. Collection method: clinical testing. Allele origin: germline. Inheritance: Autosomal dominant inheritance. Observed: 2 variant alleles, 2 heterozygotes.
Comment: This missense variant replaces asparagine with serine at codon 1273 of the MSH6 protein. Computational prediction is inconclusive regarding the impact of this variant on protein structure and function (internally defined REVEL score threshold 0.5 < inconclusive < 0.7, PMID: 27666373). Splice site prediction tools suggest that this variant may not impact RNA splicing. To our knowledge, functional studies have not been performed for this variant. This variant has not been reported in individuals affected with hereditary cancer in the literature. This variant has been identified in 1/245910 chromosomes in the general population by the Genome Aggregation Database (gnomAD). The available evidence is insufficient to determine the role of this variant in disease conclusively. Therefore, this variant is classified as a Variant of Uncertain Significance.

This study involves interpretation of variants in research participants for the purpose of population health screening. Participant phenotype was not available at the time of variant classification. Additional details can be found in publication PMID: 35346344, PMCID: PMC8962531

Color Diagnostics, LLC DBA Color Health
Classification: Uncertain significance for Hereditary cancer-predisposing syndrome. Last evaluated: 2024-07-10. Review status: criteria provided, single submitter. Criteria: ACMG Guidelines, 2015. Collection method: clinical testing. Allele origin: germline.
Comment: This missense variant replaces asparagine with serine at codon 1273 of the MSH6 protein. Computational prediction is inconclusive regarding the impact of this variant on protein structure and function (internally defined REVEL score threshold 0.5 < inconclusive < 0.7, PMID: 27666373). To our knowledge, functional studies have not been reported for this variant. This variant has not been reported in individuals affected with MSH6-related disorders in the literature. This variant has been identified in 1/251032 chromosomes in the general population by the Genome Aggregation Database (gnomAD). The available evidence is insufficient to determine the role of this variant in disease conclusively. Therefore, this variant is classified as a Variant of Uncertain Significance.

Baylor Genetics
Classification: Uncertain significance for Endometrial carcinoma. Last evaluated: 2023-12-12. Review status: criteria provided, single submitter. Criteria: ACMG Guidelines, 2015. Collection method: clinical testing. Allele origin: unknown.

Ambry Genetics
Classification: Uncertain significance for Hereditary cancer-predisposing syndrome. Last evaluated: 2023-11-20. Review status: criteria provided, single submitter. Criteria: Ambry Variant Classification Scheme 2023. Collection method: clinical testing. Allele origin: germline.
Comment: The p.N1273S variant (also known as c.3818A>G), located in coding exon 9 of the MSH6 gene, results from an A to G substitution at nucleotide position 3818. The asparagine at codon 1273 is replaced by serine, an amino acid with highly similar properties. This amino acid position is highly conserved in available vertebrate species. In addition, the in silico prediction for this alteration is inconclusive. Since supporting evidence is limited at this time, the clinical significance of this alteration remains unclear.

NM_000179.3(MSH6):c.3818A>G (p.Asn1273Ser)

Gene: MSH6 (mutS homolog 6; plus strand). Cytogenetic location: 2p16.3.
Variant type: single nucleotide variant.
Coding change: c.3818A>G on transcript NM_000179.3 (MANE Select); coding-DNA position 3818, A replaced by G.
Protein change: p.Asn1273Ser; replaces asparagine 1273 with serine.
Molecular consequence: missense variant.
Genome position (GRCh38, 1-based): chr2:47,806,468, A>G. VCF-style: chr2-47806468-A-G. GRCh37 (hg19) VCF-style: chr2-48033607-A-G.
Other names: c.3428A>G, p.Asn1143Ser (NM_001281492.2); c.2912A>G, p.Asn971Ser (NM_001281493.2, NM_001281494.2); short protein forms N1273S, N971S, N1143S.
Identifiers: ClinVar variation 824257 (VCV000824257.19), dbSNP rs201830316, ClinGen allele CA072186.